The following is an entry in ClinVar:

NM_000388.4(CASR):c.546T>A (p.Ser182=)

Gene: CASR (calcium sensing receptor; plus strand). Cytogenetic location: 3q21.1.
Variant type: single nucleotide variant.
Coding change: c.546T>A on transcript NM_000388.4 (MANE Select); coding-DNA position 546, T replaced by A.
Protein change: p.Ser182=; no amino-acid change (serine 182 retained).
Molecular consequence: synonymous variant.
Genome position (GRCh38, 1-based): chr3:122,261,581, T>A. VCF-style: chr3-122261581-T-A. GRCh37 (hg19) VCF-style: chr3-121980428-T-A.
Other names: c.546T>A, p.Ser182= (NM_001178065.2).
Identifiers: ClinVar variation 257609 (VCV000257609.16), dbSNP rs200545177, ClinGen allele CA2569504.
Genomic context (GRCh38, chr3:122,261,581, plus strand): 5'-TCTCCAGGTCAGTTATGCCTCCTCCAGCAGACTCCTCAGCAACAAGAATCAATTCAAGTC[T>A]TTCCTCCGAACCATCCCCAATGATGAGCACCAGGCCACTGCCATGGCAGACATCATCGAG-3'
Protein context (NP_000379.3, residues 172-192): RLLSNKNQFK[Ser182=]FLRTIPNDEH

ClinVar aggregate classification (germline): Benign/Likely benign. Review status: criteria provided, multiple submitters, no conflicts (2 of 4 stars). 5 submissions from 5 submitters: Benign (1); Likely benign (4). Last evaluated 2025-10-01.

Conditions:
Familial hypocalciuric hypercalcemia (FHH). Also called: Familial benign hypercalcemia. Identifiers: Orphanet 405, MedGen C1809471, MONDO:0018458.
Autosomal dominant hypocalcemia 1 (HYPOC1). Also called: HYPOCALCEMIA, FAMILIAL. Identifiers: MedGen C3715128, MONDO:0011013, OMIM 601198.
Nephrolithiasis/nephrocalcinosis. Identifiers: MedGen CN580796.

Allele frequency attached by ClinVar (database versions not stated): gnomAD exomes 0.00005 and 0.00002; ESP Exome Variant Server 0.00023; ExAC 0.00005; gnomAD 0.00014; TOPMed 0.00018.
gnomAD v4.1: 53 of 1,614,204 alleles (0.0033%); highest among the groups gnomAD compares: African/African-American, 0.061%; no homozygotes.

Submissions (5):

Labcorp Genetics (formerly Invitae), Labcorp
Classification: Likely benign for Familial hypocalciuric hypercalcemia; Autosomal dominant hypocalcemia 1. Last evaluated: 2025-10-01. Review status: criteria provided, single submitter. Criteria: Invitae Variant Classification Sherloc (09022015). Collection method: clinical testing. Allele origin: germline.

Women's Health and Genetics/Laboratory Corporation of America, LabCorp
Classification: Benign. Last evaluated: 2023-07-11. Review status: criteria provided, single submitter. Criteria: LabCorp Variant Classification Summary - May 2015. Collection method: clinical testing. Allele origin: germline.

Ambry Genetics
Classification: Likely benign for Nephrolithiasis/nephrocalcinosis. Last evaluated: 2021-03-22. Review status: criteria provided, single submitter. Criteria: Ambry Variant Classification Scheme 2023. Collection method: clinical testing. Allele origin: germline.

GeneDx
Classification: Likely benign. Last evaluated: 2019-01-14. Review status: criteria provided, single submitter. Criteria: GeneDx Variant Classification Process June 2021. Collection method: clinical testing. Allele origin: germline. Affected: yes.
Comment: See Variant Classification Assertion Criteria.

PreventionGenetics, part of Exact Sciences
Classification: Likely benign. Review status: criteria provided, single submitter. Criteria: ACMG Guidelines, 2015. Collection method: clinical testing. Allele origin: germline.